The following is an entry in ClinVar:

ClinVar aggregate classification (germline): Conflicting classifications of pathogenicity. Review status: criteria provided, conflicting classifications (1 of 4 stars). 5 submissions from 5 submitters: Uncertain significance (3); Likely benign (1). 1 of the submissions does not count toward it. Last evaluated 2025-12-27.

Conditions:
Cardiovascular phenotype. Identifiers: MedGen CN230736.
Cardiomyopathy (CMYO). Also called: Cardiomyopathies. Identifiers: Orphanet 167848, MedGen C0878544, MONDO:0004994, HP:0001638. Inheritance: Various modes of inheritance.
Becker muscular dystrophy (BMD). Also called: MUSCULAR DYSTROPHY, PSEUDOHYPERTROPHIC PROGRESSIVE, BECKER TYPE; Becker Muscular Dystrophy (BMD). Identifiers: Orphanet 98895, MedGen C0917713, MONDO:0010311, OMIM 300376.
Duchenne muscular dystrophy (DMD). Also called: Duchenne Muscular Dystrophy (DMD); MUSCULAR DYSTROPHY, PSEUDOHYPERTROPHIC PROGRESSIVE, DUCHENNE TYPE. Identifiers: Orphanet 98896, MedGen C0013264, MONDO:0010679, OMIM 310200.
Dystrophin deficiency.

Allele frequency attached by ClinVar (database versions not stated): ExAC 0.00001; gnomAD 0.00003; TOPMed 0.00004; gnomAD exomes 0.00005; ESP Exome Variant Server 0.00009.
gnomAD v4.1: 178 of 1,210,198 alleles (0.015%); highest among the groups gnomAD compares: Non-Finnish European, 0.019%; no homozygotes.

Submissions (5):

Labcorp Genetics (formerly Invitae), Labcorp
Classification: Likely benign for Duchenne muscular dystrophy. Last evaluated: 2025-12-27. Review status: criteria provided, single submitter. Criteria: Invitae Variant Classification Sherloc (09022015). Collection method: clinical testing. Allele origin: germline.

Ambry Genetics
Classification: Uncertain significance for Cardiovascular phenotype. Last evaluated: 2024-07-26. Review status: criteria provided, single submitter. Criteria: Ambry Variant Classification Scheme 2023. Collection method: clinical testing. Allele origin: germline.
Comment: The p.Q2574H variant (also known as c.7722G>C), located in coding exon 53 of the DMD gene, results from a G to C substitution at nucleotide position 7722. The glutamine at codon 2574 is replaced by histidine, an amino acid with highly similar properties. This variant was reported in a Becker muscular dystrophy cohort; however, clinical details were limited (Ashton EJ et al. Eur J Hum Genet, 2008 Jan;16:53-61). Based on data from gnomAD, the C allele has an overall frequency of approximately 0.005% (9/183210) with 3 hemizygous alleles. The highest observed frequency was 0.011% (9/81732) in European (non-Finnish) alleles. This amino acid position is highly conserved in available vertebrate species. In addition, the in silico prediction for this alteration is inconclusive. Since supporting evidence is limited at this time, the clinical significance of this alteration remains unclear.

Revvity Omics, Revvity
Classification: Uncertain significance. Last evaluated: 2022-05-02. Review status: criteria provided, single submitter. Criteria: ACMG Guidelines, 2015. Collection method: clinical testing. Allele origin: germline.

Eurofins Ntd Llc (ga)
Classification: Uncertain significance. Last evaluated: 2016-11-29. Review status: criteria provided, single submitter. Criteria: EGL Classification Definitions 2015. Collection method: clinical testing. Allele origin: germline. Observed: 2 variant alleles, 1 heterozygote, 1 hemizygote.

Natera, Inc.
Classification: Uncertain significance for Becker muscular dystrophy; Cardiomyopathy; Duchenne muscular dystrophy; Dystrophin deficiency. Last evaluated: 2020-06-02. Review status: no assertion criteria provided. Collection method: clinical testing. Allele origin: germline. Not counted in ClinVar's aggregate classification.

Literature cited by the submitters: PubMed 17726484 (cited by Ambry Genetics).

NM_004006.3(DMD):c.7722G>C (p.Gln2574His)

Gene: DMD (dystrophin; minus strand). Cytogenetic location: Xp21.1.
Variant type: single nucleotide variant.
Coding change: c.7722G>C on transcript NM_004006.3 (MANE Select); coding-DNA position 7722, G replaced by C.
Protein change: p.Gln2574His; replaces glutamine 2574 with histidine.
Molecular consequence: missense variant.
Genome position (GRCh38, 1-based): chrX:31,679,525, C>G on the plus strand (G>C on the coding strand, the complement: DMD is on the minus strand). VCF-style: chrX-31679525-C-G. GRCh37 (hg19) VCF-style: chrX-31697642-C-G.
Other names: c.7698G>C, p.Gln2566His (NM_000109.4); c.7710G>C, p.Gln2570His (NM_004009.3); c.7353G>C, p.Gln2451His (NM_004010.3); c.3699G>C, p.Gln1233His (NM_004011.4); c.3690G>C, p.Gln1230His (NM_004012.4); c.342G>C, p.Gln114His (NM_004013.3, NM_004020.4, NM_004021.3 and 2 more transcripts); short protein forms Q2574H, Q114H, Q1230H, Q1233H, Q2566H, Q2570H, Q2451H.
Identifiers: ClinVar variation 282532 (VCV000282532.20), dbSNP rs368164231, ClinGen allele CA10378219.